The following is an entry in ClinVar:

NM_001283009.2(RTEL1):c.615-10T>C

Genes: RTEL1 (regulator of telomere elongation helicase 1; plus strand), RTEL1-TNFRSF6B (RTEL1-TNFRSF6B readthrough (NMD candidate); plus strand). Cytogenetic location: 20q13.33.
Variant type: single nucleotide variant.
Coding change: c.615-10T>C on transcript NM_001283009.2 (MANE Select); 10 bases into the intron before coding-DNA position 615, T replaced by C.
Molecular consequence: intron variant.
Genome position (GRCh38, 1-based): chr20:63,667,459, T>C. VCF-style: chr20-63667459-T-C. GRCh37 (hg19) VCF-style: chr20-62298812-T-C.
Other names: c.-55-10T>C (NM_001283010.1); c.687-10T>C (NM_032957.5, NM_032957.4); c.615-10T>C (NM_016434.4).
Identifiers: ClinVar variation 1093416 (VCV001093416.10), dbSNP rs762692931, ClinGen allele CA9964375.

ClinVar aggregate classification (germline): Likely benign. Review status: criteria provided, multiple submitters, no conflicts (2 of 4 stars). 2 submissions from 2 submitters: Likely benign (2). Last evaluated 2025-11-06.

Conditions:
RTEL1-related disorder. Also called: RTEL1-related disorders; RTEL1-related condition.
Dyskeratosis congenita, autosomal recessive 5 (DKCB5). Identifiers: MedGen C3554656, MONDO:0014076, OMIM 615190.
Pulmonary fibrosis and/or bone marrow failure, Telomere-related, 3. Also called: PULMONARY FIBROSIS AND/OR BONE MARROW FAILURE SYNDROME, TELOMERE-RELATED, 3. Identifiers: Orphanet 2032, MedGen C4225346, MONDO:0014613, OMIM 616373.

Allele frequency attached by ClinVar (database versions not stated): gnomAD 0.00001; TOPMed 0.00001; gnomAD exomes 0.00002 and 0.00005; ExAC 0.00003.
gnomAD v4.1: 75 of 1,610,534 alleles (0.0047%); highest among the groups gnomAD compares: Non-Finnish European, 0.0059%; no homozygotes.

Submissions (2):

Labcorp Genetics (formerly Invitae), Labcorp
Classification: Likely benign for Dyskeratosis congenita, autosomal recessive 5; Pulmonary fibrosis and/or bone marrow failure, Telomere-related, 3. Last evaluated: 2025-11-06. Review status: criteria provided, single submitter. Criteria: Invitae Variant Classification Sherloc (09022015). Collection method: clinical testing. Allele origin: germline.

PreventionGenetics, part of Exact Sciences
Classification: Likely benign for RTEL1-related condition. Last evaluated: 2024-12-04. Review status: criteria provided, single submitter. Criteria: ACMG Guidelines, 2015. Collection method: clinical testing. Allele origin: germline.
Comment: This variant is classified as likely benign based on ACMG/AMP sequence variant interpretation guidelines (Richards et al. 2015 PMID: 25741868, with internal and published modifications).